The following is an entry in ClinVar:

ClinVar aggregate classification (germline): Uncertain significance (1 of 4 stars; one submission).

Allele frequency attached by ClinVar (database versions not stated): gnomAD exomes 0.00001; TOPMed 0.00001; ExAC 0.00002; gnomAD 0.00002; ESP Exome Variant Server 0.00008.
gnomAD v4.1: 18 of 1,613,522 alleles (0.0011%); highest among the groups gnomAD compares: African/African-American, 0.008%; no homozygotes.

Submission:

Labcorp Genetics (formerly Invitae), Labcorp
Classification: Uncertain significance. Last evaluated: 2023-10-16. Review status: criteria provided, single submitter. Criteria: Invitae Variant Classification Sherloc (09022015). Collection method: clinical testing. Allele origin: germline.
Comment: This sequence change replaces alanine, which is neutral and non-polar, with threonine, which is neutral and polar, at codon 331 of the TUBA8 protein (p.Ala331Thr). This variant is present in population databases (rs372959730, gnomAD 0.01%). This variant has not been reported in the literature in individuals affected with TUBA8-related conditions. ClinVar contains an entry for this variant (Variation ID: 1416685). Advanced modeling of protein sequence and biophysical properties (such as structural, functional, and spatial information, amino acid conservation, physicochemical variation, residue mobility, and thermodynamic stability) performed at Invitae indicates that this missense variant is not expected to disrupt TUBA8 protein function. In summary, the available evidence is currently insufficient to determine the role of this variant in disease. Therefore, it has been classified as a Variant of Uncertain Significance.

NM_018943.3(TUBA8):c.991G>A (p.Ala331Thr)

Gene: TUBA8 (tubulin alpha 8; plus strand). Cytogenetic location: 22q11.21.
Variant type: single nucleotide variant.
Coding change: c.991G>A on transcript NM_018943.3 (MANE Select); coding-DNA position 991, G replaced by A.
Protein change: p.Ala331Thr; replaces alanine 331 with threonine.
Molecular consequence: missense variant.
Genome position (GRCh38, 1-based): chr22:18,126,969, G>A. VCF-style: chr22-18126969-G-A. GRCh37 (hg19) VCF-style: chr22-18609736-G-A.
Other names: c.793G>A, p.Ala265Thr (NM_001193414.2); short protein forms A265T, A331T.
Identifiers: ClinVar variation 1416685 (VCV001416685.8), dbSNP rs372959730, ClinGen allele CA10093805.